The following is an entry in ClinVar:

NM_015100.4(POGZ):c.1610G>A (p.Arg537His)

Gene: POGZ (pogo transposable element derived with ZNF domain; minus strand). Cytogenetic location: 1q21.3.
Variant type: single nucleotide variant.
Coding change: c.1610G>A on transcript NM_015100.4 (MANE Select); coding-DNA position 1610, G replaced by A.
Protein change: p.Arg537His; replaces arginine 537 with histidine.
Molecular consequence: missense variant.
Genome position (GRCh38, 1-based): chr1:151,423,465, C>T on the plus strand (G>A on the coding strand, the complement: POGZ is on the minus strand). VCF-style: chr1-151423465-C-T. GRCh37 (hg19) VCF-style: chr1-151395941-C-T.
Other names: c.1583G>A, p.Arg528His (NM_001194937.2); c.1424G>A, p.Arg475His (NM_001194938.2); c.1325G>A, p.Arg442His (NM_145796.4); c.1451G>A, p.Arg484His (NM_207171.2); short protein forms R442H, R475H, R484H, R528H, R537H.
Identifiers: ClinVar variation 1306200 (VCV001306200.2), dbSNP rs2102270205, ClinGen allele CA341970003.

ClinVar aggregate classification (germline): Uncertain significance (1 of 4 stars; one submission).

gnomAD v4.1: 7 of 1,613,844 alleles (0.00043%); highest among the groups gnomAD compares: Non-Finnish European, 0.00042%; no homozygotes.

Submission:

GeneDx
Classification: Uncertain significance. Last evaluated: 2019-05-31. Review status: criteria provided, single submitter. Criteria: GeneDx Variant Classification Process June 2021. Collection method: clinical testing. Allele origin: germline. Affected: yes.
Comment: Not observed in large population cohorts (Lek et al., 2016); In silico analysis, which includes protein predictors and evolutionary conservation, supports a deleterious effect; Has not been previously published as pathogenic or benign to our knowledge